The following is an entry in ClinVar:

ClinVar aggregate classification (germline): Uncertain significance (1 of 4 stars; one submission).

Conditions:
Bethlem myopathy 1A. Also called: Bethlem myopathy 1; MYOPATHY, BENIGN CONGENITAL, WITH CONTRACTURES; Bethlem Muscular Dystrophy. Identifiers: Orphanet 610, MedGen CN029274, MONDO:0024530, OMIM 158810.

Submission:

Labcorp Genetics (formerly Invitae), Labcorp
Classification: Uncertain significance for Bethlem myopathy 1A. Last evaluated: 2024-11-29. Review status: criteria provided, single submitter. Criteria: Invitae Variant Classification Sherloc (09022015). Collection method: clinical testing. Allele origin: germline.
Comment: This sequence change replaces asparagine, which is neutral and polar, with aspartic acid, which is acidic and polar, at codon 397 of the COL6A3 protein (p.Asn397Asp). This variant is not present in population databases (gnomAD no frequency). This variant has not been reported in the literature in individuals affected with COL6A3-related conditions. Invitae Evidence Modeling of protein sequence and biophysical properties (such as structural, functional, and spatial information, amino acid conservation, physicochemical variation, residue mobility, and thermodynamic stability) indicates that this missense variant is not expected to disrupt COL6A3 protein function with a negative predictive value of 95%. In summary, the available evidence is currently insufficient to determine the role of this variant in disease. Therefore, it has been classified as a Variant of Uncertain Significance.

NM_004369.4(COL6A3):c.1189A>G (p.Asn397Asp)

Gene: COL6A3 (collagen type VI alpha 3 chain; minus strand). Cytogenetic location: 2q37.3.
Variant type: single nucleotide variant.
Coding change: c.1189A>G on transcript NM_004369.4 (MANE Select); coding-DNA position 1189, A replaced by G.
Protein change: p.Asn397Asp; replaces asparagine 397 with aspartic acid.
Molecular consequence: missense variant. On other transcripts: intron variant (2).
Genome position (GRCh38, 1-based): chr2:237,387,705, T>C on the plus strand (A>G on the coding strand, the complement: COL6A3 is on the minus strand). VCF-style: chr2-237387705-T-C. GRCh37 (hg19) VCF-style: chr2-238296348-T-C.
Other names: c.571A>G, p.Asn191Asp (NM_057165.5, NM_057167.4); c.92-6206A>G (NM_057166.5, NM_057164.5); short protein forms N191D, N397D.
Identifiers: ClinVar variation 3632704 (VCV003632704.2).